The following is an entry in ClinVar:

NM_001430.5(EPAS1):c.715C>G (p.Leu239Val)

Genes: EPAS1 (endothelial PAS domain protein 1; plus strand), LOC126806210 (BRD4-independent group 4 enhancer GRCh37_chr2:46587586-46588785; plus strand). Cytogenetic location: 2p21.
Variant type: single nucleotide variant.
Coding change: c.715C>G on transcript NM_001430.5 (MANE Select); coding-DNA position 715, C replaced by G.
Protein change: p.Leu239Val; replaces leucine 239 with valine.
Molecular consequence: missense variant.
Genome position (GRCh38, 1-based): chr2:46,361,026, C>G. VCF-style: chr2-46361026-C-G. GRCh37 (hg19) VCF-style: chr2-46588165-C-G.
Other names: short protein forms L239V.
Identifiers: ClinVar variation 3508950 (VCV003508950.1).
Genomic context (GRCh38, chr2:46,361,026, plus strand): 5'-CTGTCCTGCCTCATCATCATGTGTGAACCAATCCAGCACCCATCCCACATGGACATCCCC[C>G]TGGATAGCAAGACCTTCCTGAGCCGCCACAGCATGGACATGAAGTTCACCTACTGTGATG-3'
Protein context (NP_001421.2, residues 229-249): IQHPSHMDIP[Leu239Val]DSKTFLSRHS

ClinVar aggregate classification (germline): Uncertain significance (1 of 4 stars; one submission).

Conditions:
Inborn genetic diseases. Identifiers: MedGen C0950123, MeSH D030342.

gnomAD v4.1: 1 of 1,614,136 alleles (0.000062%); highest among the groups gnomAD compares: Non-Finnish European, 0.000085%; no homozygotes.

Submission:

Ambry Genetics
Classification: Uncertain significance for Inborn genetic diseases. Last evaluated: 2024-07-13. Review status: criteria provided, single submitter. Criteria: Ambry Variant Classification Scheme 2023. Collection method: clinical testing. Allele origin: germline.
Comment: The p.L239V variant (also known as c.715C>G), located in coding exon 6 of the EPAS1 gene, results from a C to G substitution at nucleotide position 715. The leucine at codon 239 is replaced by valine, an amino acid with highly similar properties. This amino acid position is conserved. In addition, this alteration is predicted to be tolerated by in silico analysis. Based on the available evidence, the clinical significance of this variant remains unclear.